The following is an entry in ClinVar:

ClinVar aggregate classification (germline): Uncertain significance (1 of 4 stars; one submission).

Conditions:
Cardiovascular phenotype. Identifiers: MedGen CN230736.

Submission:

Ambry Genetics
Classification: Uncertain significance for Cardiovascular phenotype. Last evaluated: 2025-03-23. Review status: criteria provided, single submitter. Criteria: Ambry Variant Classification Scheme 2023. Collection method: clinical testing. Allele origin: germline.
Comment: The p.N406Y variant (also known as c.1216A>T), located in coding exon 7 of the JUP gene, results from an A to T substitution at nucleotide position 1216. The asparagine at codon 406 is replaced by tyrosine, an amino acid with dissimilar properties. This amino acid position is conserved. In addition, the in silico prediction for this alteration is inconclusive. Based on the available evidence, the clinical significance of this variant remains unclear.

NM_002230.4(JUP):c.1216A>T (p.Asn406Tyr)

Gene: JUP (junction plakoglobin; minus strand). Cytogenetic location: 17q21.2.
Variant type: single nucleotide variant.
Coding change: c.1216A>T on transcript NM_002230.4 (MANE Select); coding-DNA position 1216, A replaced by T.
Protein change: p.Asn406Tyr; replaces asparagine 406 with tyrosine.
Molecular consequence: missense variant.
Genome position (GRCh38, 1-based): chr17:41,763,264, T>A on the plus strand (A>T on the coding strand, the complement: JUP is on the minus strand). VCF-style: chr17-41763264-T-A. GRCh37 (hg19) VCF-style: chr17-39919516-T-A.
Other names: c.1216A>T, p.Asn406Tyr (NM_001352773.2, NM_001352774.2, NM_001352775.2 and 3 more transcripts); short protein forms N406Y.
Identifiers: ClinVar variation 4040977 (VCV004040977.1).